The following is an entry in ClinVar:

NM_000618.5(IGF1):c.111G>A (p.Leu37=)

Genes: IGF1 (insulin like growth factor 1; minus strand), LINC02456 (long independently transcribed non-coding RNA 2456; plus strand). Cytogenetic location: 12q23.2.
Variant type: single nucleotide variant.
Coding change: c.111G>A on transcript NM_000618.5 (MANE Select); coding-DNA position 111, G replaced by A.
Protein change: p.Leu37=; no amino-acid change (leucine 37 retained).
Molecular consequence: synonymous variant.
Genome position (GRCh38, 1-based): chr12:102,475,752, C>T on the plus strand (G>A on the coding strand, the complement: IGF1 is on the minus strand). VCF-style: chr12-102475752-C-T. GRCh37 (hg19) VCF-style: chr12-102869530-C-T.
Other names: c.111G>A, p.Leu37= (NM_001111283.3, NM_001111285.3, NM_001414005.1 and 1 more transcripts); c.63G>A, p.Leu21= (NM_001111284.2, NM_001414006.1).
Identifiers: ClinVar variation 4755246 (VCV004755246.3).
Genomic context (GRCh38, chr12:102,475,752, plus strand): 5'-CTCAGCCCCGCAGAGCGTCTCCGGTCCAGCCGTGGCAGAGCTGGTGAAGGTGAGCAGGCA[C>T]AGCGCCAGGTAGAAGAGATGCGAGGAGGACATGGTGTGCATCTTCACCTGCCCAAGAAAC-3'
Protein context (NP_000609.1, residues 27-47): MSSSHLFYLA[Leu37=]CLLTFTSSAT

ClinVar aggregate classification (germline): Likely benign. Review status: criteria provided, multiple submitters, no conflicts (2 of 4 stars). 2 submissions from 2 submitters: Likely benign (2). Last evaluated 2026-06-01.

gnomAD v4.1: 7 of 1,614,196 alleles (0.00043%); highest among the groups gnomAD compares: Admixed American, 0.005%; no homozygotes.

Submissions (2):

CeGaT Center for Human Genetics Tuebingen
Classification: Likely benign. Last evaluated: 2026-06-01. Review status: criteria provided, single submitter. Criteria: CeGaT Center For Human Genetics Tuebingen Variant Classification Criteria Version 2. Collection method: clinical testing. Allele origin: germline. Affected: yes. Observed: 1 variant allele.
Comment: IGF1: BP4, BP7

Labcorp Genetics (formerly Invitae), Labcorp
Classification: Likely benign. Last evaluated: 2025-10-26. Review status: criteria provided, single submitter. Criteria: Invitae Variant Classification Sherloc (09022015). Collection method: clinical testing. Allele origin: germline.